The following is an entry in ClinVar:

ClinVar aggregate classification (germline): Uncertain significance (1 of 4 stars; one submission).

Conditions:
Cardiovascular phenotype. Identifiers: MedGen CN230736.

Submission:

Ambry Genetics
Classification: Uncertain significance for Cardiovascular phenotype. Last evaluated: 2023-10-27. Review status: criteria provided, single submitter. Criteria: Ambry Variant Classification Scheme 2023. Collection method: clinical testing. Allele origin: germline.
Comment: The p.T205N variant (also known as c.614C>A), located in coding exon 6 of the APOB gene, results from a C to A substitution at nucleotide position 614. The threonine at codon 205 is replaced by asparagine, an amino acid with similar properties. This amino acid position is conserved. In addition, this alteration is predicted to be tolerated by in silico analysis. Since supporting evidence is limited at this time, the clinical significance of this alteration remains unclear.

NM_000384.3(APOB):c.614C>A (p.Thr205Asn)

Gene: APOB (apolipoprotein B; minus strand). Cytogenetic location: 2p24.1.
Variant type: single nucleotide variant.
Coding change: c.614C>A on transcript NM_000384.3 (MANE Select); coding-DNA position 614, C replaced by A.
Protein change: p.Thr205Asn; replaces threonine 205 with asparagine.
Molecular consequence: missense variant.
Genome position (GRCh38, 1-based): chr2:21,037,179, G>T on the plus strand (C>A on the coding strand, the complement: APOB is on the minus strand). VCF-style: chr2-21037179-G-T. GRCh37 (hg19) VCF-style: chr2-21260051-G-T.
Other names: short protein forms T205N.
Identifiers: ClinVar variation 3231434 (VCV003231434.1), dbSNP rs2465446237, ClinGen allele CA345961882.
Genomic context (GRCh38, chr2:21,037,179, plus strand): 5'-AGTGGGCTGATGCCTGTGCGGATGGGCTTGAAGCGATCACACTGCCCCAGGTCTCTTTCA[G>T]TGGATATTTCTGTTGCCACATTGCCCTTCCTCGTCTTGACGGTAAAGTGAGTGGAGCAGT-3'
Protein context (NP_000375.3, residues 195-215): RKGNVATEIS[Thr205Asn]ERDLGQCDRF